The following is an entry in ClinVar:

ClinVar aggregate classification (germline): Uncertain significance. Review status: criteria provided, multiple submitters, no conflicts (2 of 4 stars). 3 submissions from 3 submitters: Uncertain significance (3). Last evaluated 2023-10-09.

Allele frequency attached by ClinVar (database versions not stated): gnomAD 0.00001; gnomAD exomes 0.00001 and 0.00002; ExAC 0.00002; TOPMed 0.00002.
gnomAD v4.1: 11 of 1,614,052 alleles (0.00068%); highest among the groups gnomAD compares: Non-Finnish European, 0.00093%; no homozygotes.

Submissions (3):

Blueprint Genetics
Classification: Uncertain significance. Last evaluated: 2023-10-09. Review status: criteria provided, single submitter. Criteria: ACMG Guidelines, 2015. Collection method: clinical testing. Allele origin: germline.

Labcorp Genetics (formerly Invitae), Labcorp
Classification: Uncertain significance. Last evaluated: 2022-07-25. Review status: criteria provided, single submitter. Criteria: Invitae Variant Classification Sherloc (09022015). Collection method: clinical testing. Allele origin: germline.
Comment: This sequence change replaces glutamic acid, which is acidic and polar, with lysine, which is basic and polar, at codon 833 of the ABCA4 protein (p.Glu833Lys). This variant is present in population databases (rs755640766, gnomAD 0.006%). This variant has not been reported in the literature in individuals affected with ABCA4-related conditions. ClinVar contains an entry for this variant (Variation ID: 964999). Advanced modeling of protein sequence and biophysical properties (such as structural, functional, and spatial information, amino acid conservation, physicochemical variation, residue mobility, and thermodynamic stability) performed at Invitae indicates that this missense variant is not expected to disrupt ABCA4 protein function. In summary, the available evidence is currently insufficient to determine the role of this variant in disease. Therefore, it has been classified as a Variant of Uncertain Significance.

Breakthrough Genomics
Classification: Uncertain significance. Review status: criteria provided, single submitter. Criteria: ACMG Guidelines, 2015. Collection method: not provided. Allele origin: germline. Inheritance: Autosomal recessive inheritance. Affected: yes.

NM_000350.3(ABCA4):c.2497G>A (p.Glu833Lys)

Gene: ABCA4 (ATP binding cassette subfamily A member 4; minus strand). Cytogenetic location: 1p22.1.
Variant type: single nucleotide variant.
Coding change: c.2497G>A on transcript NM_000350.3 (MANE Select); coding-DNA position 2497, G replaced by A.
Protein change: p.Glu833Lys; replaces glutamic acid 833 with lysine.
Molecular consequence: missense variant.
Genome position (GRCh38, 1-based): chr1:94,055,201, C>T on the plus strand (G>A on the coding strand, the complement: ABCA4 is on the minus strand). VCF-style: chr1-94055201-C-T. GRCh37 (hg19) VCF-style: chr1-94520757-C-T.
Other names: c.2275G>A, p.Glu759Lys (NM_001425324.1); short protein forms E833K, E759K.
Identifiers: ClinVar variation 964999 (VCV000964999.7), dbSNP rs755640766, ClinGen allele CA958256.